The following is an entry in ClinVar:

ClinVar aggregate classification (germline): Benign (1 of 4 stars; one submission).

Conditions:
Fibrous dysplasia of jaw (CRBM). Also called: Cherubism. Identifiers: Orphanet 184, MedGen C0008029, MONDO:0007315, OMIM 118400.

Allele frequency attached by ClinVar (database versions not stated): gnomAD 0.03142 and 0.03370; 1000 Genomes Project 0.03474; TOPMed 0.03578; 1000 Genomes Project 30x 0.03701.

Submission:

Illumina Laboratory Services, Illumina
Classification: Benign for Fibrous dysplasia of jaw. Last evaluated: 2018-01-13. Review status: criteria provided, single submitter. Criteria: ICSL Variant Classification Criteria 13 December 2019. Collection method: clinical testing. Allele origin: germline.
Comment: This variant was observed in the ICSL laboratory as part of a predisposition screen in an ostensibly healthy population. It had not been previously curated by ICSL or reported in the Human Gene Mutation Database (HGMD: prior to June 1st, 2018), and was therefore a candidate for classification through an automated scoring system. Utilizing variant allele frequency, disease prevalence and penetrance estimates, and inheritance mode, an automated score was calculated to assess if this variant is too frequent to cause the disease. Based on the score and internal cut-off values, a variant classified as benign is not then subjected to further curation. The score for this variant resulted in a classification of benign for this disease.

NM_001122681.2(SH3BP2):c.*3015G>A

Gene: SH3BP2 (SH3 domain binding protein 2; plus strand). Cytogenetic location: 4p16.3.
Variant type: single nucleotide variant.
Coding change: c.*3015G>A on transcript NM_001122681.2 (MANE Select); 3015 bases downstream of the stop codon, G replaced by A.
Molecular consequence: 3 prime UTR variant.
Genome position (GRCh38, 1-based): chr4:2,836,849, G>A. VCF-style: chr4-2836849-G-A. GRCh37 (hg19) VCF-style: chr4-2838576-G-A.
Other names: c.*3015G>A (LRG_1334t1, LRG_1334t2, NM_001145855.2 and 2 more transcripts).
Identifiers: ClinVar variation 348646 (VCV000348646.5), dbSNP rs112364375, ClinGen allele CA10620943.